The following is an entry in ClinVar:

ClinVar aggregate classification (germline): Conflicting classifications of pathogenicity. Review status: criteria provided, conflicting classifications (1 of 4 stars). 2 submissions from 2 submitters: Uncertain significance (1); Likely benign (1). Last evaluated 2023-12-04.

Allele frequency attached by ClinVar (database versions not stated): gnomAD exomes below 0.00001.
gnomAD v4.1: 3 of 1,614,198 alleles (0.00019%); highest among the groups gnomAD compares: South Asian, 0.0011%; no homozygotes.

Submissions (2):

Blueprint Genetics
Classification: Likely benign. Last evaluated: 2023-12-04. Review status: criteria provided, single submitter. Criteria: ACMG Guidelines, 2015. Collection method: clinical testing. Allele origin: germline.

Labcorp Genetics (formerly Invitae), Labcorp
Classification: Uncertain significance. Last evaluated: 2023-05-19. Review status: criteria provided, single submitter. Criteria: Invitae Variant Classification Sherloc (09022015). Collection method: clinical testing. Allele origin: germline.
Comment: This sequence change affects codon 91 of the IL18BP mRNA. It is a 'silent' change, meaning that it does not change the encoded amino acid sequence of the IL18BP protein. This variant is present in population databases (no rsID available, gnomAD 0.006%). This variant has not been reported in the literature in individuals affected with IL18BP-related conditions. In summary, the available evidence is currently insufficient to determine the role of this variant in disease. Therefore, it has been classified as a Variant of Uncertain Significance.

NM_001039660.2(IL18BP):c.273C>A (p.Arg91=)

Gene: IL18BP (interleukin 18 binding protein; plus strand). Cytogenetic location: 11q13.4.
Variant type: single nucleotide variant.
Coding change: c.273C>A on transcript NM_001039660.2 (MANE Select); coding-DNA position 273, C replaced by A.
Protein change: p.Arg91=; no amino-acid change (arginine 91 retained).
Molecular consequence: synonymous variant. On other transcripts: intron variant (1).
Genome position (GRCh38, 1-based): chr11:72,001,238, C>A. VCF-style: chr11-72001238-C-A. GRCh37 (hg19) VCF-style: chr11-71712284-C-A.
Other names: c.273C>A, p.Arg91= (NM_001039659.2, NM_001145057.1, NM_005699.3 and 2 more transcripts); c.236-546C>A (NM_001145055.1).
Identifiers: ClinVar variation 2875876 (VCV002875876.4), dbSNP rs1181085657, ClinGen allele CA475582979.